The following is an entry in ClinVar:

ClinVar aggregate classification (germline): Uncertain significance. Review status: criteria provided, multiple submitters, no conflicts (2 of 4 stars). 2 submissions from 2 submitters: Uncertain significance (2). Last evaluated 2025-01-20.

Allele frequency attached by ClinVar (database versions not stated): gnomAD exomes below 0.00001 and 0.00001; gnomAD 0.00001; TOPMed 0.00001.
gnomAD v4.1: 6 of 1,613,342 alleles (0.00037%); highest among the groups gnomAD compares: African/African-American, 0.0027%; no homozygotes.

Submissions (2):

Revvity Omics, Revvity
Classification: Uncertain significance. Last evaluated: 2025-01-20. Review status: criteria provided, single submitter. Criteria: ACMG Guidelines, 2015. Collection method: clinical testing. Allele origin: germline.

Biesecker Lab/Clinical Genomics Section, National Institutes of Health
Classification: Uncertain significance. Last evaluated: 2013-06-24. Review status: criteria provided, single submitter. Criteria: Ng et al. (Circ Cardiovasc Genet. 2013). Collection method: research. Allele origin: unknown. Observed: 1 variant allele. Study: ClinSeq.
Comment: The study set was not selected for affection status in relation to any cancer. Pathogenicity categories were based on literature curation. See Pubmed ID:23861362 for details.

Medical sequencing

NM_001267550.2(TTN):c.93634G>A (p.Glu31212Lys)

Genes: TTN-AS1 (TTN antisense RNA 1; plus strand), TTN (titin; minus strand). Cytogenetic location: 2q31.2.
Variant type: single nucleotide variant.
Coding change: c.93634G>A on transcript NM_001267550.2 (MANE Select); coding-DNA position 93634, G replaced by A.
Protein change: p.Glu31212Lys; replaces glutamic acid 31212 with lysine.
Molecular consequence: missense variant.
Genome position (GRCh38, 1-based): chr2:178,547,992, C>T on the plus strand (G>A on the coding strand, the complement: TTN is on the minus strand). VCF-style: chr2-178547992-C-T. GRCh37 (hg19) VCF-style: chr2-179412719-C-T.
Other names: c.88711G>A, p.Glu29571Lys (NM_001256850.1); c.66439G>A, p.Glu22147Lys (NM_003319.4); c.85930G>A, p.Glu28644Lys (NM_133378.4); c.66814G>A, p.Glu22272Lys (NM_133432.3); c.67015G>A, p.Glu22339Lys (NM_133437.4); short protein forms E28644K, E31212K, E22147K, E22272K, E22339K, E29571K.
Identifiers: ClinVar variation 191851 (VCV000191851.2), dbSNP rs786205368, ClinGen allele CA237698.